The following is an entry in ClinVar:

ClinVar aggregate classification (germline): Conflicting classifications of pathogenicity. Review status: criteria provided, conflicting classifications (1 of 4 stars). 3 submissions from 3 submitters: Uncertain significance (1); Likely benign (2). Last evaluated 2025-03-03.

Conditions:
Inborn genetic diseases. Identifiers: MedGen C0950123, MeSH D030342.
KBG syndrome (KBGS). Also called: ANKRD11-Related KBG Syndrome. Identifiers: Orphanet 2332, MedGen C0220687, MONDO:0007846, OMIM 148050.

Allele frequency attached by ClinVar (database versions not stated): ExAC 0.00001; gnomAD exomes 0.00001; TOPMed 0.00001.
gnomAD v4.1: 20 of 1,614,184 alleles (0.0012%); highest among the groups gnomAD compares: Middle Eastern, 0.033%; no homozygotes.

Submissions (3):

Labcorp Genetics (formerly Invitae), Labcorp
Classification: Uncertain significance for KBG syndrome. Last evaluated: 2025-03-03. Review status: criteria provided, single submitter. Criteria: Invitae Variant Classification Sherloc (09022015). Collection method: clinical testing. Allele origin: germline.
Comment: This sequence change replaces lysine, which is basic and polar, with glutamic acid, which is acidic and polar, at codon 853 of the ANKRD11 protein (p.Lys853Glu). This variant is present in population databases (rs779145849, gnomAD 0.004%). This variant has not been reported in the literature in individuals affected with ANKRD11-related conditions. ClinVar contains an entry for this variant (Variation ID: 2647085). Invitae Evidence Modeling of protein sequence and biophysical properties (such as structural, functional, and spatial information, amino acid conservation, physicochemical variation, residue mobility, and thermodynamic stability) indicates that this missense variant is not expected to disrupt ANKRD11 protein function with a negative predictive value of 95%. In summary, the available evidence is currently insufficient to determine the role of this variant in disease. Therefore, it has been classified as a Variant of Uncertain Significance.

Ambry Genetics
Classification: Likely benign for Inborn genetic diseases. Last evaluated: 2024-12-31. Review status: criteria provided, single submitter. Criteria: Ambry Variant Classification Scheme 2023. Collection method: clinical testing. Allele origin: germline.

CeGaT Center for Human Genetics Tuebingen
Classification: Likely benign. Last evaluated: 2024-09-01. Review status: criteria provided, single submitter. Criteria: CeGaT Center For Human Genetics Tuebingen Variant Classification Criteria Version 2. Collection method: clinical testing. Allele origin: germline. Affected: yes. Observed: 2 variant alleles.
Comment: ANKRD11: BP4

NM_013275.6(ANKRD11):c.2557A>G (p.Lys853Glu)

Gene: ANKRD11 (ankyrin repeat domain 11; minus strand). Cytogenetic location: 16q24.3.
Variant type: single nucleotide variant.
Coding change: c.2557A>G on transcript NM_013275.6 (MANE Select); coding-DNA position 2557, A replaced by G.
Protein change: p.Lys853Glu; replaces lysine 853 with glutamic acid.
Molecular consequence: missense variant.
Genome position (GRCh38, 1-based): chr16:89,283,985, T>C on the plus strand (A>G on the coding strand, the complement: ANKRD11 is on the minus strand). VCF-style: chr16-89283985-T-C. GRCh37 (hg19) VCF-style: chr16-89350393-T-C.
Other names: c.2557A>G, p.Lys853Glu (NM_001256182.2, NM_001256183.2); c.2557A>G (NM_013275.4); short protein forms K853E.
Identifiers: ClinVar variation 2647085 (VCV002647085.27), dbSNP rs779145849, ClinGen allele CA8242560.